The following is an entry in ClinVar:

NM_020435.4(GJC2):c.*5G>A

Gene: GJC2 (gap junction protein gamma 2; plus strand). Cytogenetic location: 1q42.13.
Variant type: single nucleotide variant.
Coding change: c.*5G>A on transcript NM_020435.4 (MANE Select); 5 bases downstream of the stop codon, G replaced by A.
Molecular consequence: 3 prime UTR variant.
Genome position (GRCh38, 1-based): chr1:228,159,083, G>A. VCF-style: chr1-228159083-G-A. GRCh37 (hg19) VCF-style: chr1-228346784-G-A.
Identifiers: ClinVar variation 3353139 (VCV003353139.1).
Genomic context (GRCh38, chr1:228,159,083, plus strand): 5'-GCTCCGAGAAGGGCAGTGCCAGCAGCAGGGACGGGAAGACCACCGTGTGGATCTGAGGGC[G>A]CTGGCTTGCGAGCTGGGCCAGGGAGGAGGAGGGTTGGGGGGCTCCGGTGGAAACCTGCGA-3'

ClinVar aggregate classification (germline): Likely benign (0 of 4 stars; one submission).

Conditions:
GJC2-related disorder. Also called: GJC2-related condition; GJC2-related disorders. Identifiers: MedGen CN230087.

gnomAD v4.1: 10 of 1,609,312 alleles (0.00062%); highest among the groups gnomAD compares: Admixed American, 0.0033%; no homozygotes.

Submission:

PreventionGenetics, part of Exact Sciences
Classification: Likely benign for GJC2-related condition. Last evaluated: 2019-04-03. Review status: no assertion criteria provided. Collection method: clinical testing. Allele origin: germline.
Comment: This variant is classified as likely benign based on ACMG/AMP sequence variant interpretation guidelines (Richards et al. 2015 PMID: 25741868, with internal and published modifications).